The following is an entry in ClinVar:

ClinVar aggregate classification (germline): Benign/Likely benign. Review status: criteria provided, multiple submitters, no conflicts (2 of 4 stars). 15 submissions from 12 submitters: Benign (8); Likely benign (4). 3 of the submissions do not count toward it. Last evaluated 2026-05-01.

Conditions:
Cardiovascular phenotype. Identifiers: MedGen CN230736.
Dilated cardiomyopathy 1G (CMD1G). Identifiers: Orphanet 154, MedGen C1858763, MONDO:0011400, OMIM 604145.
Autosomal recessive limb-girdle muscular dystrophy type 2J (LGMDR10). Also called: Limb-girdle muscular dystrophy, type 2J; MUSCULAR DYSTROPHY, LIMB-GIRDLE, AUTOSOMAL RECESSIVE 10. Identifiers: Orphanet 140922, MedGen C1837342, MONDO:0012127, OMIM 608807.
Cardiomyopathy (CMYO). Also called: Cardiomyopathies. Identifiers: Orphanet 167848, MedGen C0878544, MONDO:0004994, HP:0001638. Inheritance: Various modes of inheritance.
Tibial muscular dystrophy (TMD). Also called: UDD MYOPATHY; Tibial muscular dystrophy, tardive; Udd Distal Myopathy – Tibial Muscular Dystrophy. Identifiers: Orphanet 609, MedGen C1838244, MONDO:0010870, OMIM 600334.
Early-onset myopathy with fatal cardiomyopathy (CMYO5). Also called: CONGENITAL MYOPATHY 5 WITH CARDIOMYOPATHY; Salih Myopathy. Identifiers: Orphanet 289377, MedGen C2673677, MONDO:0012714, OMIM 611705. Disease mechanism: loss of function.
Myopathy, myofibrillar, 9, with early respiratory failure (MFM9). Also called: Hereditary myopathy with early respiratory failure; MYOPATHY, PROXIMAL, WITH EARLY RESPIRATORY MUSCLE INVOLVEMENT; EDSTROM MYOPATHY; Myopathy, distal, with early respiratory failure, autosomal dominant. Identifiers: Orphanet 178464, Orphanet 34521, MedGen C1863599, MONDO:0011362, OMIM 603689.

Allele frequency attached by ClinVar (database versions not stated): gnomAD below 0.00001 and 0.00029; TOPMed 0.00005; gnomAD exomes 0.00047 and 0.00103; ExAC 0.00114; 1000 Genomes Project 0.00200; 1000 Genomes Project 30x 0.00203.
gnomAD v4.1: 741 of 1,613,692 alleles (0.046%); highest among the groups gnomAD compares: South Asian, 0.76%; 13 homozygotes.

Submissions (15):

CeGaT Center for Human Genetics Tuebingen
Classification: Likely benign. Last evaluated: 2026-05-01. Review status: criteria provided, single submitter. Criteria: CeGaT Center For Human Genetics Tuebingen Variant Classification Criteria Version 2. Collection method: clinical testing. Allele origin: germline. Affected: yes. Observed: 1 variant allele.
Comment: TTN: BP4, BP7, BS2

Labcorp Genetics (formerly Invitae), Labcorp
Classification: Benign for Dilated cardiomyopathy 1G; Autosomal recessive limb-girdle muscular dystrophy type 2J. Last evaluated: 2026-01-28. Review status: criteria provided, single submitter. Criteria: Invitae Variant Classification Sherloc (09022015). Collection method: clinical testing. Allele origin: germline.

Blueprint Genetics
Classification: Likely benign. Last evaluated: 2024-10-10. Review status: criteria provided, single submitter. Criteria: ACMG Guidelines, 2015. Collection method: clinical testing. Allele origin: germline.

Genome-Nilou Lab
Classification: Benign for Autosomal recessive limb-girdle muscular dystrophy type 2J. Last evaluated: 2021-09-10. Review status: criteria provided, single submitter. Criteria: ACMG Guidelines, 2015. Collection method: clinical testing. Allele origin: germline. Affected: no.

Genome-Nilou Lab
Classification: Benign for Myopathy, myofibrillar, 9, with early respiratory failure. Last evaluated: 2021-09-10. Review status: criteria provided, single submitter. Criteria: ACMG Guidelines, 2015. Collection method: clinical testing. Allele origin: germline. Affected: no.

Genome-Nilou Lab
Classification: Benign for Early-onset myopathy with fatal cardiomyopathy. Last evaluated: 2021-09-10. Review status: criteria provided, single submitter. Criteria: ACMG Guidelines, 2015. Collection method: clinical testing. Allele origin: germline. Affected: no.

Genome-Nilou Lab
Classification: Benign for Tibial muscular dystrophy. Last evaluated: 2021-09-10. Review status: criteria provided, single submitter. Criteria: ACMG Guidelines, 2015. Collection method: clinical testing. Allele origin: germline. Affected: no.

Ambry Genetics
Classification: Likely benign for Cardiovascular phenotype. Last evaluated: 2019-06-14. Review status: criteria provided, single submitter. Criteria: Ambry Variant Classification Scheme 2023. Collection method: clinical testing. Allele origin: germline.

CHEO Genetics Diagnostic Laboratory, Children's Hospital of Eastern Ontario
Classification: Benign for Cardiomyopathy. Last evaluated: 2018-02-26. Review status: criteria provided, single submitter. Criteria: ACMG Guidelines, 2015. Collection method: clinical testing. Allele origin: germline.

Athena Diagnostics
Classification: Benign. Last evaluated: 2017-04-12. Review status: criteria provided, single submitter. Criteria: Athena Diagnostics Criteria. Collection method: clinical testing. Allele origin: germline.

GeneDx
Classification: Benign. Last evaluated: 2015-05-11. Review status: criteria provided, single submitter. Criteria: GeneDx Variant Classification (06012015). Collection method: clinical testing. Allele origin: germline. Affected: yes.
Comment: This variant is considered likely benign or benign based on one or more of the following criteria: it is a conservative change, it occurs at a poorly conserved position in the protein, it is predicted to be benign by multiple in silico algorithms, and/or has population frequency not consistent with disease.

Laboratory for Molecular Medicine, Mass General Brigham Personalized Medicine
Classification: Likely benign. Last evaluated: 2013-12-26. Review status: criteria provided, single submitter. Criteria: LMM Criteria. Collection method: clinical testing. Allele origin: germline. Observed: 1 variant allele.
Comment: Ile29492Ile in exon 295 of TTN: This variant is not expected to have clinical si gnificance because it does not alter an amino acid residue and is not located wi thin the splice consensus sequence. Ile29492Ile in exon 295 of TTN (allele freq uency = n/a)

Clinical Genetics, Academic Medical Center
Classification: Benign. Review status: no assertion criteria provided. Collection method: clinical testing. Allele origin: germline. Affected: yes. Study: VKGL Data-share Consensus. Not counted in ClinVar's aggregate classification.

Diagnostic Laboratory, Department of Genetics, University Medical Center Groningen
Classification: Likely benign. Review status: no assertion criteria provided. Collection method: clinical testing. Allele origin: germline. Affected: yes. Study: VKGL Data-share Consensus. Not counted in ClinVar's aggregate classification.

Genome Diagnostics Laboratory, University Medical Center Utrecht
Classification: Benign. Review status: no assertion criteria provided. Collection method: clinical testing. Allele origin: germline. Affected: yes. Study: VKGL Data-share Consensus. Not counted in ClinVar's aggregate classification.

NM_001267550.2(TTN):c.96180T>C (p.Ile32060=)

Genes: TTN (titin; minus strand), TTN-AS1 (TTN antisense RNA 1; plus strand), LOC126806421 (CDK7 strongly-dependent group 2 enhancer GRCh37_chr2:179407630-179408829; plus strand). Cytogenetic location: 2q31.2.
Variant type: single nucleotide variant.
Coding change: c.96180T>C on transcript NM_001267550.2 (MANE Select); coding-DNA position 96180, T replaced by C.
Protein change: p.Ile32060=; no amino-acid change (isoleucine 32060 retained).
Molecular consequence: synonymous variant.
Genome position (GRCh38, 1-based): chr2:178,543,964, A>G on the plus strand (T>C on the coding strand, the complement: TTN is on the minus strand). VCF-style: chr2-178543964-A-G. GRCh37 (hg19) VCF-style: chr2-179408691-A-G.
Other names: c.68985T>C, p.Ile22995= (NM_003319.4); c.69360T>C, p.Ile23120= (NM_133432.3); c.69561T>C, p.Ile23187= (NM_133437.4); c.91257T>C, p.Ile30419= (NM_001256850.1); c.88476T>C, p.Ile29492= (NM_133378.4).
Identifiers: ClinVar variation 165704 (VCV000165704.29), dbSNP rs572401798, ClinGen allele CA178407.
Genomic context (GRCh38, chr2:178,543,964, plus strand): 5'-AGCATCGTACCGATTAACTTTGTCCACTATTAGCAATGAGTAGCTCTCAGTGGTGTCAAT[A>G]ATTGCCCGGCTTGCAAGGTCAATGCCCTGCTTGCTCCACGTTATGACAGGAGGTGGTCTT-3'
Protein context (NP_001254479.2, residues 32050-32070): KQGIDLASRA[Ile32060=]IDTTESYSLL